The following is an entry in ClinVar:

NM_000051.4(ATM):c.6710A>C (p.Lys2237Thr)

Genes: ATM (ATM serine/threonine kinase; plus strand), C11orf65 (chromosome 11 open reading frame 65; minus strand). Cytogenetic location: 11q22.3.
Variant type: single nucleotide variant.
Coding change: c.6710A>C on transcript NM_000051.4 (MANE Select); coding-DNA position 6710, A replaced by C.
Protein change: p.Lys2237Thr; replaces lysine 2237 with threonine.
Molecular consequence: missense variant. On other transcripts: intron variant (2).
Genome position (GRCh38, 1-based): chr11:108,325,447, A>C. VCF-style: chr11-108325447-A-C. GRCh37 (hg19) VCF-style: chr11-108196174-A-C.
Other names: c.6710A>C, p.Lys2237Thr (NM_001351834.2); c.641-16376T>G (NM_001330368.2); c.*38+9773T>G (NM_001351110.2); short protein forms K2237T.
Identifiers: ClinVar variation 524419 (VCV000524419.18), dbSNP rs35118109, ClinGen allele CA228411993.
Genomic context (GRCh38, chr11:108,325,447, plus strand): 5'-TTAGTTTTCAGGAGCCTATCATGGCTCTACGCACAGTCATTTTGGAGATCCTGATGGAAA[A>C]GGAAATGGACAACTCACAAAGAGAATGTATTAAGGACATTCTCACCAAACACCTTGTAGA-3'
Protein context (NP_000042.3, residues 2227-2247): RTVILEILME[Lys2237Thr]EMDNSQRECI

ClinVar aggregate classification (germline): Conflicting classifications of pathogenicity. Review status: criteria provided, conflicting classifications (1 of 4 stars). 4 submissions from 4 submitters: Uncertain significance (3); Likely benign (1). Last evaluated 2026-07-20.

Conditions:
ATM-related disorder. Also called: ATM-related disorders; ATM-related condition.
Hereditary cancer-predisposing syndrome. Also called: Hereditary Cancer Syndrome; Neoplastic Syndromes, Hereditary; Tumor predisposition; Hereditary neoplastic syndrome. Identifiers: Orphanet 140162, MedGen C0027672, MeSH D009386, MONDO:0015356.
Ataxia-telangiectasia syndrome (AT). Also called: Cerebello-oculocutaneous telangiectasia; Immunodeficiency with ataxia telangiectasia; Ataxia-telangiectasia, complementation group E; Ataxia-telangiectasia, complementation group D; AT, COMPLEMENTATION GROUP C; ATAXIA-TELANGIECTASIA, COMPLEMENTATION GROUP A. Identifiers: Orphanet 100, MedGen C0004135, MONDO:0008840, OMIM 208900.

Allele frequency attached by ClinVar (database versions not stated): gnomAD 0.00001.
gnomAD v4.1: 18 of 1,613,720 alleles (0.0011%); highest among the groups gnomAD compares: Non-Finnish European, 0.0014%; no homozygotes.

Submissions (4):

PreventionGenetics, part of Exact Sciences
Classification: Uncertain significance for ATM-related condition. Last evaluated: 2026-07-20. Review status: criteria provided, single submitter. Criteria: ACMG Guidelines, 2015. Collection method: clinical testing. Allele origin: germline.
Comment: The ATM c.6710A>C variant is predicted to result in the amino acid substitution p.Lys2237Thr. To our knowledge, this variant has not been reported in individuals with ATM-related disease. This variant is reported in one allele in gnomAD and it has conflicting classifications listed in ClinVar ranging from likely benign to uncertain (Variation ID: 524419). At this time, the clinical significance of this variant is uncertain due to the absence of conclusive functional and genetic evidence.

Labcorp Genetics (formerly Invitae), Labcorp
Classification: Uncertain significance for Ataxia-telangiectasia syndrome. Last evaluated: 2025-07-27. Review status: criteria provided, single submitter. Criteria: Invitae Variant Classification Sherloc (09022015). Collection method: clinical testing. Allele origin: germline.
Comment: This sequence change replaces lysine, which is basic and polar, with threonine, which is neutral and polar, at codon 2237 of the ATM protein (p.Lys2237Thr). This variant is present in population databases (rs35118109, gnomAD 0.0009%). This variant has not been reported in the literature in individuals affected with ATM-related conditions. ClinVar contains an entry for this variant (Variation ID: 524419). Invitae Evidence Modeling of protein sequence and biophysical properties (such as structural, functional, and spatial information, amino acid conservation, physicochemical variation, residue mobility, and thermodynamic stability) indicates that this missense variant is not expected to disrupt ATM protein function with a negative predictive value of 95%. In summary, the available evidence is currently insufficient to determine the role of this variant in disease. Therefore, it has been classified as a Variant of Uncertain Significance.

Ambry Genetics
Classification: Likely benign for Hereditary cancer-predisposing syndrome. Last evaluated: 2024-07-05. Review status: criteria provided, single submitter. Criteria: Ambry Variant Classification Scheme 2023. Collection method: clinical testing. Allele origin: germline.

Color Diagnostics, LLC DBA Color Health
Classification: Uncertain significance for Hereditary cancer-predisposing syndrome. Last evaluated: 2021-07-28. Review status: criteria provided, single submitter. Criteria: ACMG Guidelines, 2015. Collection method: clinical testing. Allele origin: germline.
Comment: This missense variant replaces lysine with threonine at codon 2237 of the ATM protein. Computational prediction suggests that this variant may not impact protein structure and function (internally defined REVEL score threshold <= 0.5, PMID: 27666373). To our knowledge, functional studies have not been reported for this variant. This variant has not been reported in individuals affected with hereditary cancer in the literature. This variant has been identified in 1/251094 chromosomes in the general population by the Genome Aggregation Database (gnomAD). The available evidence is insufficient to determine the role of this variant in disease conclusively. Therefore, this variant is classified as a Variant of Uncertain Significance.

Literature cited by the submitters: PubMed 16832357 (cited by Ambry Genetics); PubMed 28779002 (cited by Ambry Genetics).